The following is an entry in ClinVar:

ClinVar aggregate classification (germline): Benign/Likely benign. Review status: criteria provided, multiple submitters, no conflicts (2 of 4 stars). 3 submissions from 3 submitters: Benign (1); Likely benign (2). Last evaluated 2026-01-05.

Conditions:
Neurodevelopmental disorder with or without hyperkinetic movements and seizures, autosomal dominant. Also called: Intellectual disability, autosomal dominant 8. Identifiers: MedGen C3280282, MONDO:0013655, OMIM 614254.

Allele frequency attached by ClinVar (database versions not stated): gnomAD exomes 0.00006 and 0.00013; 1000 Genomes Project 0.00020; ExAC 0.00023; gnomAD 0.00057 and 0.00065; ESP Exome Variant Server 0.00068; TOPMed 0.00077.
gnomAD v4.1: 168 of 1,518,258 alleles (0.011%); highest among the groups gnomAD compares: African/African-American, 0.22%; no homozygotes.

Submissions (3):

Labcorp Genetics (formerly Invitae), Labcorp
Classification: Benign for Neurodevelopmental disorder with or without hyperkinetic movements and seizures, autosomal dominant. Last evaluated: 2026-01-05. Review status: criteria provided, single submitter. Criteria: Invitae Variant Classification Sherloc (09022015). Collection method: clinical testing. Allele origin: germline.

Blueprint Genetics
Classification: Likely benign. Last evaluated: 2022-11-14. Review status: criteria provided, single submitter. Criteria: ACMG Guidelines, 2015. Collection method: clinical testing. Allele origin: germline.

GeneDx
Classification: Likely benign. Last evaluated: 2016-09-28. Review status: criteria provided, single submitter. Criteria: GeneDx Variant Classification (06012015). Collection method: clinical testing. Allele origin: germline. Affected: yes.
Comment: This variant is considered likely benign or benign based on one or more of the following criteria: it is a conservative change, it occurs at a poorly conserved position in the protein, it is predicted to be benign by multiple in silico algorithms, and/or has population frequency not consistent with disease.

NM_007327.4(GRIN1):c.1632+14G>A

Gene: GRIN1 (glutamate ionotropic receptor NMDA type subunit 1; plus strand). Cytogenetic location: 9q34.3.
Variant type: single nucleotide variant.
Coding change: c.1632+14G>A on transcript NM_007327.4 (MANE Select); 14 bases into the intron after coding-DNA position 1632, G replaced by A.
Molecular consequence: intron variant.
Genome position (GRCh38, 1-based): chr9:137,162,102, G>A. VCF-style: chr9-137162102-G-A. GRCh37 (hg19) VCF-style: chr9-140056554-G-A.
Other names: c.1695+14G>A (NM_001185090.2, NM_001185091.2); c.1632+14G>A (NM_021569.4, NM_000832.7).
Identifiers: ClinVar variation 384408 (VCV000384408.10), dbSNP rs200337681, ClinGen allele CA5360971.